The following is an entry in ClinVar:

ClinVar aggregate classification (germline): Uncertain significance (1 of 4 stars; one submission).

Submission:

Labcorp Genetics (formerly Invitae), Labcorp
Classification: Uncertain significance. Last evaluated: 2021-06-19. Review status: criteria provided, single submitter. Criteria: Invitae Variant Classification Sherloc (09022015). Collection method: clinical testing. Allele origin: germline.
Comment: In summary, the available evidence is currently insufficient to determine the role of this variant in disease. Therefore, it has been classified as a Variant of Uncertain Significance. Algorithms developed to predict the effect of missense changes on protein structure and function are either unavailable or do not agree on the potential impact of this missense change (SIFT: "Deleterious"; PolyPhen-2: "Probably Damaging"; Align-GVGD: "Class C0"). This variant has not been reported in the literature in individuals with GPAA1-related conditions. This variant is not present in population databases (ExAC no frequency). This sequence change replaces leucine with arginine at codon 543 of the GPAA1 protein (p.Leu543Arg). The leucine residue is moderately conserved and there is a moderate physicochemical difference between leucine and arginine.

NM_003801.4(GPAA1):c.1628T>G (p.Leu543Arg)

Gene: GPAA1 (glycosylphosphatidylinositol anchor attachment 1; plus strand). Cytogenetic location: 8q24.3.
Variant type: single nucleotide variant.
Coding change: c.1628T>G on transcript NM_003801.4 (MANE Select); coding-DNA position 1628, T replaced by G.
Protein change: p.Leu543Arg; replaces leucine 543 with arginine.
Molecular consequence: missense variant.
Genome position (GRCh38, 1-based): chr8:144,085,887, T>G. VCF-style: chr8-144085887-T-G. GRCh37 (hg19) VCF-style: chr8-145140790-T-G.
Other names: short protein forms L543R.
Identifiers: ClinVar variation 1401986 (VCV001401986.8), dbSNP rs2129949197, ClinGen allele CA372507583.